The following is an entry in ClinVar:

ClinVar aggregate classification (germline): Conflicting classifications of pathogenicity. Review status: criteria provided, conflicting classifications (1 of 4 stars). 3 submissions from 3 submitters: Uncertain significance (2); Likely benign (1). Last evaluated 2025-09-10.

Conditions:
Cardiovascular phenotype. Identifiers: MedGen CN230736.
RAF1-related disorder. Also called: RAF1-related condition; RAF1-related disorders.
RASopathy. Also called: Noonan spectrum disorder; rasopathies. Identifiers: Orphanet 536391, MedGen C5555857, MONDO:0021060.

Allele frequency attached by ClinVar (database versions not stated): gnomAD exomes below 0.00001; gnomAD 0.00001.
gnomAD v4.1: 4 of 1,613,918 alleles (0.00025%); highest among the groups gnomAD compares: African/African-American, 0.0013%; no homozygotes.

Submissions (3):

Labcorp Genetics (formerly Invitae), Labcorp
Classification: Uncertain significance for RASopathy. Last evaluated: 2025-09-10. Review status: criteria provided, single submitter. Criteria: Invitae Variant Classification Sherloc (09022015). Collection method: clinical testing. Allele origin: germline.
Comment: This sequence change creates a premature translational stop signal (p.Arg563*) in the RAF1 gene. It is expected to result in an absent or disrupted protein product. However, the current clinical and genetic evidence is not sufficient to establish whether loss-of-function variants in RAF1 cause disease. This variant is not present in population databases (gnomAD no frequency). This variant has not been reported in the literature in individuals affected with RAF1-related conditions. ClinVar contains an entry for this variant (Variation ID: 849037). In summary, the available evidence is currently insufficient to determine the role of this variant in disease. Therefore, it has been classified as a Variant of Uncertain Significance.

PreventionGenetics, part of Exact Sciences
Classification: Uncertain significance for RAF1-related condition. Last evaluated: 2023-08-17. Review status: criteria provided, single submitter. Criteria: ACMG Guidelines, 2015. Collection method: clinical testing. Allele origin: germline.
Comment: The RAF1 c.1687C>T variant is predicted to result in premature protein termination (p.Arg563*). To our knowledge, this variant has not been reported in the literature or in a large population database, indicating this variant is rare. Few chain-terminating variants in RAF1 are reported and loss of function has not been conclusively established as a mechanism for RAF1-related disorders. At this time, the clinical significance of this variant is uncertain due to the absence of conclusive functional and genetic evidence.

Ambry Genetics
Classification: Likely benign for Cardiovascular phenotype. Last evaluated: 2023-05-23. Review status: criteria provided, single submitter. Criteria: Ambry Variant Classification Scheme 2023. Collection method: clinical testing. Allele origin: germline.

Literature cited by the submitters: PubMed 25394791 (cited by Ambry Genetics); PubMed 29643510 (cited by Ambry Genetics).

NM_002880.4(RAF1):c.1687C>T (p.Arg563Ter)

Gene: RAF1 (Raf-1 proto-oncogene, serine/threonine kinase; minus strand). Cytogenetic location: 3p25.2.
Variant type: single nucleotide variant.
Coding change: c.1687C>T on transcript NM_002880.4 (MANE Select); coding-DNA position 1687, C replaced by T.
Protein change: p.Arg563Ter; replaces arginine 563 with a stop codon.
Molecular consequence: nonsense. On other transcripts: non-coding transcript variant (3).
Genome position (GRCh38, 1-based): chr3:12,584,963, G>A on the plus strand (C>T on the coding strand, the complement: RAF1 is on the minus strand). VCF-style: chr3-12584963-G-A. GRCh37 (hg19) VCF-style: chr3-12626462-G-A.
Other names: c.1747C>T, p.Arg583Ter (NM_001354689.3); c.1687C>T, p.Arg563Ter (NM_001354690.3); c.1444C>T, p.Arg482Ter (NM_001354691.3, NM_001354692.3); c.1588C>T, p.Arg530Ter (NM_001354693.3); c.1504C>T, p.Arg502Ter (NM_001354694.3); c.1345C>T, p.Arg449Ter (NM_001354695.3); short protein forms R449*, R563*, R583*, R502*, R482*, R530*.
Identifiers: ClinVar variation 849037 (VCV000849037.10), dbSNP rs532786413, ClinGen allele CA69602998.